The following is an entry in ClinVar:

NM_007194.4(CHEK2):c.504del (p.Phe169fs)

Gene: CHEK2 (checkpoint kinase 2; minus strand). Cytogenetic location: 22q12.1.
Variant type: Deletion.
Coding change: c.504del on transcript NM_007194.4 (MANE Select); coding-DNA position 504, one base deleted (C; older notation c.504delC).
Protein change: p.Phe169fs; shifts the reading frame from phenylalanine 169.
Molecular consequence: frameshift variant. On other transcripts: 5 prime UTR variant (2), intron variant (1).
Genome position (GRCh38, 1-based): chr22:28,725,065, G deleted on the plus strand (C on the coding strand, the reverse complement: CHEK2 is on the minus strand); the first of 2 consecutive G bases (chr22:28,725,065-28,725,066); deleting either gives the same sequence. VCF-style (leftmost placement, unchanged base first): chr22-28725064-AG-A. GRCh37 (hg19) VCF-style: chr22-29121052-AG-A.
Other names: c.633del, p.Phe212fs (NM_001005735.3, NM_001438294.1); c.-274del (NM_001257387.3); c.-160del (NM_001437942.1); c.597del, p.Phe200fs (NM_001438293.1, NM_001438295.1); c.504del, p.Phe169fs (NM_145862.3); c.445-142del (NM_001349956.3); short protein forms F169fs, F212fs, F200fs.
Identifiers: ClinVar variation 1391570 (VCV001391570.7), dbSNP rs2146059828, ClinGen allele CA2573157988.

ClinVar aggregate classification (germline): Pathogenic (1 of 4 stars; one submission).

Conditions:
Familial cancer of breast. Also called: hereditary breast carcinoma; BREAST CANCER, FAMILIAL; Hereditary breast cancer. Identifiers: Orphanet 227535, MedGen C0346153, MONDO:0016419, OMIM 114480. Disease mechanism: loss of function.

Submission:

Labcorp Genetics (formerly Invitae), Labcorp
Classification: Pathogenic for Familial cancer of breast. Last evaluated: 2021-08-17. Review status: criteria provided, single submitter. Criteria: Invitae Variant Classification Sherloc (09022015). Collection method: clinical testing. Allele origin: germline.
Comment: This variant is not present in population databases (ExAC no frequency). For these reasons, this variant has been classified as Pathogenic. This premature translational stop signal has been observed in individual(s) with breast cancer (PMID: 21562711). This sequence change creates a premature translational stop signal (p.Phe169Leufs*2) in the CHEK2 gene. It is expected to result in an absent or disrupted protein product. Loss-of-function variants in CHEK2 are known to be pathogenic (PMID: 21876083, 24713400).

Literature cited by the submitters: PubMed 21562711; PubMed 21876083; PubMed 24713400.